The following is an entry in ClinVar:

ClinVar aggregate classification (germline): Conflicting classifications of pathogenicity. Review status: criteria provided, conflicting classifications (1 of 4 stars). 4 submissions from 4 submitters: Uncertain significance (3); Likely benign (1). Last evaluated 2025-07-03.

Conditions:
Familial thoracic aortic aneurysm and aortic dissection (TAAD). Also called: Thoracic aortic aneurysms and dissections. Identifiers: Orphanet 91387, MedGen C4707243, MONDO:0019625.
Marfan syndrome (MFS). Also called: Marfan syndrome, classic; Marfan syndrome type 1; Marfan's syndrome; FBN1-Related Marfan Syndrome; MARFAN SYNDROME, TYPE I. Identifiers: Orphanet 284963, Orphanet 558, MedGen C0024796, MONDO:0007947, OMIM 154700.
Weill-Marchesani syndrome 2, dominant. Also called: FBN1-Related Weill-Marchesani Syndrome; Weill-Marchesani Syndrome, Autosomal Dominant. Identifiers: Orphanet 2084, MedGen C1869115, MONDO:0012013, OMIM 608328.
Progeroid and marfanoid aspect-lipodystrophy syndrome. Also called: MARFANOID-PROGEROID SYNDROME; MARFAN-PROGEROID-LIPODYSTROPHY SYNDROME; Marfan lipodystrophy syndrome; MARFANOID-PROGEROID-LIPODYSTROPHY SYNDROME. Identifiers: Orphanet 300382, MedGen C4310796, MONDO:0014831, OMIM 616914.
Acromicric dysplasia (ACMICD). Also called: Acromicric skeletal dysplasia. Identifiers: Orphanet 969, MedGen C0265287, MONDO:0007055, OMIM 102370.
Ectopia lentis 1, isolated, autosomal dominant (ECTOL1). Identifiers: Orphanet 1885, MedGen C3541518, MONDO:0007514, OMIM 129600.
Geleophysic dysplasia 2 (GPHYSD2). Identifiers: Orphanet 2623, MedGen C3280054, MONDO:0013612, OMIM 614185.
MASS syndrome (OCTD). Also called: OVERLAP CONNECTIVE TISSUE DISEASE; MASS PHENOTYPE. Identifiers: MedGen C1858556, MONDO:0011431, OMIM 604308.
Stiff skin syndrome (SSKS). Identifiers: Orphanet 2833, MedGen C1861456, MONDO:0008492, OMIM 184900.

Allele frequency attached by ClinVar (database versions not stated): gnomAD 0.00003; TOPMed 0.00002.
gnomAD v4.1: 7 of 1,601,720 alleles (0.00044%); highest among the groups gnomAD compares: African/African-American, 0.0067%; no homozygotes.

Submissions (4):

Ambry Genetics
Classification: Uncertain significance for Familial thoracic aortic aneurysm and aortic dissection. Last evaluated: 2025-07-03. Review status: criteria provided, single submitter. Criteria: Ambry Variant Classification Scheme 2023. Collection method: clinical testing. Allele origin: germline.
Comment: The p.D912G variant (also known as c.2735A>G), located in coding exon 23 of the FBN1 gene, results from an A to G substitution at nucleotide position 2735. The aspartic acid at codon 912 is replaced by glycine, an amino acid with similar properties. This amino acid position is poorly conserved in available vertebrate species. In addition, the in silico prediction for this alteration is inconclusive. Based on the available evidence, the clinical significance of this variant remains unclear.

All of Us Research Program, National Institutes of Health
Classification: Uncertain significance for Marfan syndrome. Last evaluated: 2024-04-16. Review status: criteria provided, single submitter. Criteria: ACMG Guidelines, 2015. Collection method: clinical testing. Allele origin: germline. Inheritance: Autosomal dominant inheritance. Observed: 2 variant alleles, 2 heterozygotes.
Comment: This missense variant replaces aspartic acid with glycine at codon 912 of the FBN1 protein. Computational prediction is inconclusive regarding the impact of this variant on protein structure and function (internally defined REVEL score threshold 0.5 < inconclusive < 0.7, PMID: 27666373). Although functional studies have not been reported for this variant, it changes a conserved aspartic acid residue in the calcium-binding consensus sequence in a cbEGF-like domain and is expected to disrupt FBN1 protein function (PMID: 31227806). To our knowledge, this variant has not been reported in individuals affected with FBN1-related disorders in the literature. This variant has been identified in 3/250728 chromosomes in the general population by the Genome Aggregation Database (gnomAD). The available evidence is insufficient to determine the role of this variant in disease conclusively. Therefore, this variant is classified as a Variant of Uncertain Significance.

This study involves interpretation of variants in research participants for the purpose of population health screening. Participant phenotype was not available at the time of variant classification. Additional details can be found in publication PMID: 35346344, PMCID: PMC8962531

Labcorp Genetics (formerly Invitae), Labcorp
Classification: Likely benign for Marfan syndrome; Familial thoracic aortic aneurysm and aortic dissection. Last evaluated: 2023-07-29. Review status: criteria provided, single submitter. Criteria: Invitae Variant Classification Sherloc (09022015). Collection method: clinical testing. Allele origin: germline.

Fulgent Genetics
Classification: Uncertain significance for Acromicric dysplasia; Ectopia lentis 1, isolated, autosomal dominant; Marfan syndrome; Stiff skin syndrome; MASS syndrome; Weill-Marchesani syndrome 2, dominant; Geleophysic dysplasia 2; Progeroid and marfanoid aspect-lipodystrophy syndrome. Last evaluated: 2021-11-02. Review status: criteria provided, single submitter. Criteria: ACMG Guidelines, 2015. Collection method: clinical testing. Allele origin: unknown.

Literature cited by the submitters: PubMed 31227806 (cited by All of Us Research Program, National Institutes of Health).

NM_000138.5(FBN1):c.2735A>G (p.Asp912Gly)

Gene: FBN1 (fibrillin 1; minus strand). Cytogenetic location: 15q21.1.
Variant type: single nucleotide variant.
Coding change: c.2735A>G on transcript NM_000138.5 (MANE Select); coding-DNA position 2735, A replaced by G.
Protein change: p.Asp912Gly; replaces aspartic acid 912 with glycine.
Molecular consequence: missense variant.
Genome position (GRCh38, 1-based): chr15:48,492,580, T>C on the plus strand (A>G on the coding strand, the complement: FBN1 is on the minus strand). VCF-style: chr15-48492580-T-C. GRCh37 (hg19) VCF-style: chr15-48784777-T-C.
Other names: short protein forms D912G.
Identifiers: ClinVar variation 943589 (VCV000943589.13), dbSNP rs754919275, ClinGen allele CA048757.